The following is an entry in ClinVar:

ClinVar aggregate classification (germline): Uncertain significance (1 of 4 stars; one submission).

Allele frequency attached by ClinVar (database versions not stated): gnomAD 0.00001 and 0.00002; TOPMed 0.00003; gnomAD exomes 0.00005; ExAC 0.00006.

Submission:

Labcorp Genetics (formerly Invitae), Labcorp
Classification: Uncertain significance. Last evaluated: 2025-02-24. Review status: criteria provided, single submitter. Criteria: Invitae Variant Classification Sherloc (09022015). Collection method: clinical testing. Allele origin: germline.
Comment: This sequence change replaces arginine, which is basic and polar, with histidine, which is basic and polar, at codon 711 of the VPS11 protein (p.Arg711His). This variant is present in population databases (rs782176262, gnomAD 0.01%). This variant has not been reported in the literature in individuals affected with VPS11-related conditions. ClinVar contains an entry for this variant (Variation ID: 1378679). Invitae Evidence Modeling of protein sequence and biophysical properties (such as structural, functional, and spatial information, amino acid conservation, physicochemical variation, residue mobility, and thermodynamic stability) indicates that this missense variant is not expected to disrupt VPS11 protein function with a negative predictive value of 80%. In summary, the available evidence is currently insufficient to determine the role of this variant in disease. Therefore, it has been classified as a Variant of Uncertain Significance.

NM_021729.6(VPS11):c.2132G>A (p.Arg711His)

Gene: VPS11 (VPS11 core subunit of CORVET and HOPS complexes; plus strand). Cytogenetic location: 11q23.3.
Variant type: single nucleotide variant.
Coding change: c.2132G>A on transcript NM_021729.6 (MANE Select); coding-DNA position 2132, G replaced by A.
Protein change: p.Arg711His; replaces arginine 711 with histidine.
Molecular consequence: missense variant. On other transcripts: non-coding transcript variant (8).
Genome position (GRCh38, 1-based): chr11:119,078,863, G>A. VCF-style: chr11-119078863-G-A. GRCh37 (hg19) VCF-style: chr11-118949573-G-A.
Other names: c.2102G>A, p.Arg701His (NM_001290185.2); c.2144G>A, p.Arg715His (NM_001378218.1, NM_001378219.1); c.2117G>A, p.Arg706His (NM_001378220.1); c.2114G>A, p.Arg705His (NM_001378221.1); short protein forms R705H, R711H, R715H, R701H, R706H.
Identifiers: ClinVar variation 1378679 (VCV001378679.5), dbSNP rs782176262, ClinGen allele CA6313640.